The following is an entry in ClinVar:

ClinVar aggregate classification (germline): Pathogenic (1 of 4 stars; one submission).

Submission:

GeneDx
Classification: Pathogenic. Last evaluated: 2014-04-28. Review status: criteria provided, single submitter. Criteria: GeneDx Variant Classification (06012015). Collection method: clinical testing. Allele origin: germline. Affected: yes.
Comment: p.Lys101Asn (AAA>AAT): c.303 A>T in exon 2 of the KCNH2 gene (NM_000238.2)While the K101N mutation in the KCNH2 gene has not been reported to our knowledge, a mutation affecting this same residue, K101E, has been reported in association with LQTS (Larsen LA et al., 2001; Christiansen M et al., 2005). Additionally, mutations in nearby residues (V94G, V94M, E95G, I96T, I96V, F98S, Y99S, R100Q, R100G, R100W, D102A, D102V, F106L, F106Y, C108R, L109R, D111V) have been reported in association with LQTS, further supporting the functional importance of this residue and this region of the protein. The K101N mutation is a semi-conservative amino acid substitution, which may impact secondary protein structure as these residues differ in some properties. This substitution occurs at a position that is conserved across species. In silico analysis predicts K101N is probably damaging to the protein structure/function. Furthermore, K101N was not observed in approximately 6,200 individuals of European and African American ancestry in the NHLBI Exome Sequencing Project, indicating it is not a common benign variant in these populations.In summary, K101N in the KCNH2 gene is interpreted as a likely disease-causing mutation. The variant is found in LQT panel(s).

NM_000238.4(KCNH2):c.303A>T (p.Lys101Asn)

Gene: KCNH2 (potassium voltage-gated channel subfamily H member 2; minus strand). Cytogenetic location: 7q36.1.
Variant type: single nucleotide variant.
Coding change: c.303A>T on transcript NM_000238.4 (MANE Select); coding-DNA position 303, A replaced by T.
Protein change: p.Lys101Asn; replaces lysine 101 with asparagine.
Molecular consequence: missense variant.
Genome position (GRCh38, 1-based): chr7:150,974,715, T>A on the plus strand (A>T on the coding strand, the complement: KCNH2 is on the minus strand). VCF-style: chr7-150974715-T-A. GRCh37 (hg19) VCF-style: chr7-150671803-T-A.
Other names: p.K101N:AAA>AAT; c.126A>T, p.Lys42Asn (NM_001406755.1); c.303A>T, p.Lys101Asn (NM_172056.3); short protein forms K101N, K42N.
Identifiers: ClinVar variation 200590 (VCV000200590.4), dbSNP rs794728417, ClinGen allele CA007841.